The following is an entry in ClinVar:

NM_004991.4(MECOM):c.2756A>G (p.Glu919Gly)

Gene: MECOM (MDS1 and EVI1 complex locus; minus strand). Cytogenetic location: 3q26.2.
Variant type: single nucleotide variant.
Coding change: c.2756A>G on transcript NM_004991.4 (MANE Select); coding-DNA position 2756, A replaced by G.
Protein change: p.Glu919Gly; replaces glutamic acid 919 with glycine.
Molecular consequence: missense variant.
Genome position (GRCh38, 1-based): chr3:169,102,075, T>C on the plus strand (A>G on the coding strand, the complement: MECOM is on the minus strand). VCF-style: chr3-169102075-T-C. GRCh37 (hg19) VCF-style: chr3-168819863-T-C.
Other names: c.2195A>G, p.Glu732Gly (NM_001366468.2, NM_001366467.2); c.2192A>G, p.Glu731Gly (NM_001366469.2, NM_005241.4, NM_001105078.4 and 1 more transcripts); c.2168A>G, p.Glu723Gly (NM_001366470.2, NM_001163999.2); c.2165A>G, p.Glu722Gly (NM_001366471.2, NM_001366472.2, NM_001164000.2); c.1757A>G, p.Glu586Gly (NM_001366473.2); c.1193A>G, p.Glu398Gly (NM_001366474.2); c.2387A>G, p.Glu796Gly (NM_001105077.4); c.2729A>G, p.Glu910Gly (NM_001366466.2); short protein forms E398G, E722G, E723G, E732G, E731G, E796G, E910G, E919G.
Identifiers: ClinVar variation 4105764 (VCV004105764.1).

ClinVar aggregate classification (germline): Uncertain significance (1 of 4 stars; one submission).

Conditions:
Inborn genetic diseases. Identifiers: MedGen C0950123, MeSH D030342.

Submission:

Ambry Genetics
Classification: Uncertain significance for Inborn genetic diseases. Last evaluated: 2025-07-12. Review status: criteria provided, single submitter. Criteria: Ambry Variant Classification Scheme 2023. Collection method: clinical testing. Allele origin: germline.
Comment: The p.E919G variant (also known as c.2756A>G), located in coding exon 11 of the MECOM gene, results from an A to G substitution at nucleotide position 2756. The glutamic acid at codon 919 is replaced by glycine, an amino acid with similar properties. This amino acid position is conserved. In addition, the in silico prediction for this alteration is inconclusive. Based on the available evidence, the clinical significance of this variant remains unclear.